The following is an entry in ClinVar:

NM_000388.4(CASR):c.906C>T (p.Ser302=)

Gene: CASR (calcium sensing receptor; plus strand). Cytogenetic location: 3q21.1.
Variant type: single nucleotide variant.
Coding change: c.906C>T on transcript NM_000388.4 (MANE Select); coding-DNA position 906, C replaced by T.
Protein change: p.Ser302=; no amino-acid change (serine 302 retained).
Molecular consequence: synonymous variant.
Genome position (GRCh38, 1-based): chr3:122,261,941, C>T. VCF-style: chr3-122261941-C-T. GRCh37 (hg19) VCF-style: chr3-121980788-C-T.
Other names: c.906C>T, p.Ser302= (NM_001178065.2); c.906C>T (NM_001178065.1).
Identifiers: ClinVar variation 416102 (VCV000416102.43), dbSNP rs201067850, ClinGen allele CA2569557.

ClinVar aggregate classification (germline): Benign/Likely benign. Review status: criteria provided, multiple submitters, no conflicts (2 of 4 stars). 6 submissions from 6 submitters: Benign (1); Likely benign (4). 1 of the submissions does not count toward it. Last evaluated 2026-01-05.

Conditions:
CASR-related disorder. Also called: CASR-related condition.
Familial hypocalciuric hypercalcemia (FHH). Also called: Familial benign hypercalcemia. Identifiers: Orphanet 405, MedGen C1809471, MONDO:0018458.
Autosomal dominant hypocalcemia 1 (HYPOC1). Also called: HYPOCALCEMIA, FAMILIAL. Identifiers: MedGen C3715128, MONDO:0011013, OMIM 601198.
Nephrolithiasis/nephrocalcinosis. Identifiers: MedGen CN580796.

Allele frequency attached by ClinVar (database versions not stated): TOPMed 0.00011; 1000 Genomes Project 30x 0.00031; 1000 Genomes Project 0.00040; gnomAD exomes 0.00041 and 0.00088; gnomAD 0.00062 and 0.00063; ExAC 0.00101.
gnomAD v4.1: 694 of 1,614,148 alleles (0.043%); highest among the groups gnomAD compares: Non-Finnish European, 0.022%; 2 homozygotes.

Submissions (6):

Labcorp Genetics (formerly Invitae), Labcorp
Classification: Benign for Familial hypocalciuric hypercalcemia; Autosomal dominant hypocalcemia 1. Last evaluated: 2026-01-05. Review status: criteria provided, single submitter. Criteria: Invitae Variant Classification Sherloc (09022015). Collection method: clinical testing. Allele origin: germline.

Center for Genomic Medicine, Rigshospitalet, Copenhagen University Hospital
Classification: Likely benign. Last evaluated: 2025-03-04. Review status: criteria provided, single submitter. Criteria: ACMG Guidelines, 2015. Collection method: clinical testing. Allele origin: germline.

Blueprint Genetics
Classification: Likely benign. Last evaluated: 2024-11-07. Review status: criteria provided, single submitter. Criteria: ACMG Guidelines, 2015. Collection method: clinical testing. Allele origin: germline.

CeGaT Center for Human Genetics Tuebingen
Classification: Likely benign. Last evaluated: 2022-12-01. Review status: criteria provided, single submitter. Criteria: CeGaT Center For Human Genetics Tuebingen Variant Classification Criteria Version 2. Collection method: clinical testing. Allele origin: germline. Affected: yes. Observed: 1 variant allele.
Comment: CASR: BP4, BP7

Ambry Genetics
Classification: Likely benign for Nephrolithiasis/nephrocalcinosis. Last evaluated: 2019-04-05. Review status: criteria provided, single submitter. Criteria: Ambry Variant Classification Scheme 2023. Collection method: clinical testing. Allele origin: germline.

PreventionGenetics, part of Exact Sciences
Classification: Likely benign for CASR-related condition. Last evaluated: 2022-05-13. Review status: no assertion criteria provided. Collection method: clinical testing. Allele origin: germline. Not counted in ClinVar's aggregate classification.
Comment: This variant is classified as likely benign based on ACMG/AMP sequence variant interpretation guidelines (Richards et al. 2015 PMID: 25741868, with internal and published modifications).